The following is an entry in ClinVar:

NM_006767.4(LZTR1):c.902G>A (p.Gly301Asp)

Gene: LZTR1 (leucine zipper like post translational regulator 1; plus strand). Cytogenetic location: 22q11.21.
Variant type: single nucleotide variant.
Coding change: c.902G>A on transcript NM_006767.4 (MANE Select); coding-DNA position 902, G replaced by A.
Protein change: p.Gly301Asp; replaces glycine 301 with aspartic acid.
Molecular consequence: missense variant.
Genome position (GRCh38, 1-based): chr22:20,991,738, G>A. VCF-style: chr22-20991738-G-A. GRCh37 (hg19) VCF-style: chr22-21346027-G-A.
Other names: short protein forms G301D.
Identifiers: ClinVar variation 1765532 (VCV001765532.4), dbSNP rs139823732, ClinGen allele CA322327389.

ClinVar aggregate classification (germline): Uncertain significance. Review status: criteria provided, multiple submitters, no conflicts (2 of 4 stars). 3 submissions from 3 submitters: Uncertain significance (3). Last evaluated 2025-10-07.

Conditions:
Cardiovascular phenotype. Identifiers: MedGen CN230736.
Hereditary cancer-predisposing syndrome. Also called: Neoplastic Syndromes, Hereditary; Tumor predisposition; Hereditary Cancer Syndrome; Hereditary neoplastic syndrome. Identifiers: Orphanet 140162, MedGen C0027672, MeSH D009386, MONDO:0015356.

Allele frequency attached by ClinVar (database versions not stated): TOPMed below 0.00001; ESP Exome Variant Server 0.00008.
gnomAD v4.1: 1 of 1,574,358 alleles (0.000064%); highest among the groups gnomAD compares: Non-Finnish European, 0.000086%; no homozygotes.

Submissions (3):

Labcorp Genetics (formerly Invitae), Labcorp
Classification: Uncertain significance. Last evaluated: 2025-10-07. Review status: criteria provided, single submitter. Criteria: Invitae Variant Classification Sherloc (09022015). Collection method: clinical testing. Allele origin: germline.
Comment: This sequence change replaces glycine, which is neutral and non-polar, with aspartic acid, which is acidic and polar, at codon 301 of the LZTR1 protein (p.Gly301Asp). This variant is not present in population databases (gnomAD no frequency). This variant has not been reported in the literature in individuals affected with LZTR1-related conditions. ClinVar contains an entry for this variant (Variation ID: 1765532). Invitae Evidence Modeling of protein sequence and biophysical properties (such as structural, functional, and spatial information, amino acid conservation, physicochemical variation, residue mobility, and thermodynamic stability) indicates that this missense variant is not expected to disrupt LZTR1 protein function with a negative predictive value of 80%. In summary, the available evidence is currently insufficient to determine the role of this variant in disease. Therefore, it has been classified as a Variant of Uncertain Significance.

GeneDx
Classification: Uncertain significance. Last evaluated: 2024-08-27. Review status: criteria provided, single submitter. Criteria: GeneDx Variant Classification Process June 2021. Collection method: clinical testing. Allele origin: germline. Affected: yes.
Comment: Not observed at significant frequency in large population cohorts (gnomAD); In silico analysis supports that this missense variant has a deleterious effect on protein structure/function; Has not been previously published as pathogenic or benign to our knowledge

Ambry Genetics
Classification: Uncertain significance for Cardiovascular phenotype; Hereditary cancer-predisposing syndrome. Last evaluated: 2021-12-06. Review status: criteria provided, single submitter. Criteria: Ambry Variant Classification Scheme 2023. Collection method: clinical testing. Allele origin: germline.
Comment: The p.G301D variant (also known as c.902G>A), located in coding exon 9 of the LZTR1 gene, results from a G to A substitution at nucleotide position 902. The glycine at codon 301 is replaced by aspartic acid, an amino acid with similar properties. This amino acid position is highly conserved in available vertebrate species. In addition, this alteration is predicted to be deleterious by in silico analysis. Since supporting evidence is limited at this time, the clinical significance of this alteration remains unclear.